The following is an entry in ClinVar:

NM_031935.3(HMCN1):c.15732C>G (p.His5244Gln)

Gene: HMCN1 (hemicentin 1; plus strand). Cytogenetic location: 1q31.1.
Variant type: single nucleotide variant.
Coding change: c.15732C>G on transcript NM_031935.3 (MANE Select); coding-DNA position 15732, C replaced by G.
Protein change: p.His5244Gln; replaces histidine 5244 with glutamine.
Molecular consequence: missense variant.
Genome position (GRCh38, 1-based): chr1:186,172,049, C>G. VCF-style: chr1-186172049-C-G. GRCh37 (hg19) VCF-style: chr1-186141181-C-G.
Other names: short protein forms H5244Q.
Identifiers: ClinVar variation 294298 (VCV000294298.16), dbSNP rs75161007, ClinGen allele CA1295359.

ClinVar aggregate classification (germline): Benign. Review status: criteria provided, multiple submitters, no conflicts (2 of 4 stars). 4 submissions from 4 submitters: Benign (4). Last evaluated 2026-01-27.

Conditions:
Age related macular degeneration 1 (ARMD1). Also called: MACULOPATHY, AGE-RELATED, 1. Identifiers: MedGen C1864205, MONDO:0011285, OMIM 603075.

Allele frequency attached by ClinVar (database versions not stated): ESP Exome Variant Server 0.00100; TOPMed 0.00499; gnomAD 0.00507 and 0.00623; ExAC 0.00910; 1000 Genomes Project 30x 0.01858; 1000 Genomes Project 0.02097.
gnomAD v4.1: 8,179 of 1,613,704 alleles (0.51%); highest among the groups gnomAD compares: East Asian, 8.9%; 221 homozygotes.

Submissions (4):

Labcorp Genetics (formerly Invitae), Labcorp
Classification: Benign. Last evaluated: 2026-01-27. Review status: criteria provided, single submitter. Criteria: Invitae Variant Classification Sherloc (09022015). Collection method: clinical testing. Allele origin: germline.

Genome-Nilou Lab
Classification: Benign for Age related macular degeneration 1. Last evaluated: 2023-04-11. Review status: criteria provided, single submitter. Criteria: ACMG Guidelines, 2015. Collection method: clinical testing. Allele origin: germline. Affected: no.

Illumina Laboratory Services, Illumina
Classification: Benign for Age related macular degeneration 1. Last evaluated: 2018-01-13. Review status: criteria provided, single submitter. Criteria: ICSL Variant Classification Criteria 13 December 2019. Collection method: clinical testing. Allele origin: germline.
Comment: This variant was observed in the ICSL laboratory as part of a predisposition screen in an ostensibly healthy population. It had not been previously curated by ICSL or reported in the Human Gene Mutation Database (HGMD: prior to June 1st, 2018), and was therefore a candidate for classification through an automated scoring system. Utilizing variant allele frequency, disease prevalence and penetrance estimates, and inheritance mode, an automated score was calculated to assess if this variant is too frequent to cause the disease. Based on the score and internal cut-off values, a variant classified as benign is not then subjected to further curation. The score for this variant resulted in a classification of benign for this disease.

Breakthrough Genomics
Classification: Benign. Review status: criteria provided, single submitter. Criteria: ACMG Guidelines, 2015. Collection method: not provided. Allele origin: germline. Inheritance: Autosomal dominant inheritance. Affected: yes.